The following is an entry in ClinVar:

ClinVar aggregate classification (germline): Uncertain significance (1 of 4 stars; one submission).

Conditions:
Cardiovascular phenotype. Identifiers: MedGen CN230736.

Submission:

Ambry Genetics
Classification: Uncertain significance for Cardiovascular phenotype. Last evaluated: 2025-05-07. Review status: criteria provided, single submitter. Criteria: Ambry Variant Classification Scheme 2023. Collection method: clinical testing. Allele origin: germline.
Comment: The c.495A>G variant (also known as p.G165G), located in coding exon 6 of the NEXN gene, results from an A to G substitution at nucleotide position 495. This nucleotide substitution does not change the amino acid at codon 165. This nucleotide position is not well conserved in available vertebrate species. In silico splice site analysis for this alteration is inconclusive. Based on the available evidence, the clinical significance of this variant remains unclear.

NM_144573.4(NEXN):c.495A>G (p.Gly165=)

Gene: NEXN (nexilin F-actin binding protein; plus strand). Cytogenetic location: 1p31.1.
Variant type: single nucleotide variant.
Coding change: c.495A>G on transcript NM_144573.4 (MANE Select); coding-DNA position 495, A replaced by G.
Protein change: p.Gly165=; no amino-acid change (glycine 165 retained).
Molecular consequence: synonymous variant.
Genome position (GRCh38, 1-based): chr1:77,926,419, A>G. VCF-style: chr1-77926419-A-G. GRCh37 (hg19) VCF-style: chr1-78392104-A-G.
Other names: c.303A>G, p.Gly101= (NM_001172309.2).
Identifiers: ClinVar variation 3919103 (VCV003919103.1).